The following is an entry in ClinVar:

ClinVar aggregate classification (germline): Uncertain significance (1 of 4 stars; one submission).

Conditions:
Familial temporal lobe epilepsy 7. Identifiers: Orphanet 101046, MedGen C4225327, MONDO:0014639, OMIM 616436.
Norman-Roberts syndrome (LIS2). Also called: Lissencephaly 2 (Norman-Roberts type). Identifiers: Orphanet 89844, MedGen C0796089, MONDO:0009760, OMIM 257320.

Submission:

Juno Genomics, Hangzhou Juno Genomics, Inc
Classification: Uncertain significance for Familial temporal lobe epilepsy 7; Norman-Roberts syndrome. Review status: criteria provided, single submitter. Criteria: ACMG Guidelines, 2015. Collection method: clinical testing. Allele origin: germline.
Comment: Absent from controls (or at extremely low frequency if recessive) in Genome Aggregation Database.;Missense variant in a gene that has a low rate of benign missense variation.

NM_005045.4(RELN):c.284C>T (p.Ser95Phe)

Gene: RELN (reelin; minus strand). Cytogenetic location: 7q22.1.
Variant type: single nucleotide variant.
Coding change: c.284C>T on transcript NM_005045.4 (MANE Select); coding-DNA position 284, C replaced by T.
Protein change: p.Ser95Phe; replaces serine 95 with phenylalanine.
Molecular consequence: missense variant.
Genome position (GRCh38, 1-based): chr7:103,917,128, G>A on the plus strand (C>T on the coding strand, the complement: RELN is on the minus strand). VCF-style: chr7-103917128-G-A. GRCh37 (hg19) VCF-style: chr7-103557575-G-A.
Other names: c.284C>T, p.Ser95Phe (NM_173054.3); short protein forms S95F.
Identifiers: ClinVar variation 5007121 (VCV005007121.2).